The following is an entry in ClinVar:

NM_001374736.1(DST):c.4924del (p.Glu1642fs)

Gene: DST (dystonin; minus strand). Cytogenetic location: 6p12.1.
Variant type: Deletion.
Coding change: c.4924del on transcript NM_001374736.1 (MANE Select); coding-DNA position 4924, one base deleted (G; older notation c.4924delG).
Protein change: p.Glu1642fs; shifts the reading frame from glutamic acid 1642.
Molecular consequence: frameshift variant.
Genome position (GRCh38, 1-based): chr6:56,624,535, C deleted on the plus strand (G on the coding strand, the reverse complement: DST is on the minus strand); the first of 2 consecutive C bases (chr6:56,624,535-56,624,536); deleting either gives the same sequence. VCF-style (leftmost placement, unchanged base first): chr6-56624534-TC-T. GRCh37 (hg19) VCF-style: chr6-56489332-TC-T.
Other names: c.4825del, p.Glu1609fs (NM_001144769.5); c.4411del, p.Glu1471fs (NM_001144770.2); c.4924del, p.Glu1642fs (NM_001374722.1); c.4291del, p.Glu1431fs (NM_001374729.1, NM_001374730.1, NM_001386100.1 and 1 more transcripts); c.4951del, p.Glu1651fs (NM_001374734.1); c.3313del, p.Glu1105fs (NM_001723.7, NM_015548.5); short protein forms E1609fs, E1651fs, E1105fs, E1431fs, E1642fs, E1471fs.
Identifiers: ClinVar variation 2952494 (VCV002952494.3), dbSNP rs2536829592, ClinGen allele CA2740091385.

ClinVar aggregate classification (germline): Pathogenic (1 of 4 stars; one submission).

Conditions:
Hereditary sensory and autonomic neuropathy type 6. Also called: HSAN VI; Neuropathy, hereditary sensory and autonomic, type VI. Identifiers: Orphanet 314381, MedGen C3539003, MONDO:0013839, OMIM 614653.
Epidermolysis bullosa simplex 3, localized or generalized intermediate, with BP230 deficiency (EBS3). Also called: Epidermolysis bullosa simplex, autosomal recessive 2; Epidermolysis bullosa simplex due to BP230 deficiency. Identifiers: Orphanet 412181, MedGen C3809470, MONDO:0014180, OMIM 615425.

Submission:

Labcorp Genetics (formerly Invitae), Labcorp
Classification: Pathogenic for Epidermolysis bullosa simplex 3, localized or generalized intermediate, with BP230 deficiency; Hereditary sensory and autonomic neuropathy type 6. Last evaluated: 2023-10-04. Review status: criteria provided, single submitter. Criteria: Invitae Variant Classification Sherloc (09022015). Collection method: clinical testing. Allele origin: germline.
Comment: This sequence change creates a premature translational stop signal (p.Glu1105Argfs*36) in the DST gene. It is expected to result in an absent or disrupted protein product. Loss-of-function variants in DST are known to be pathogenic (PMID: 22522446, 25059916, 30371979). This variant is not present in population databases (gnomAD no frequency). This variant has not been reported in the literature in individuals affected with DST-related conditions. Algorithms developed to predict the effect of sequence changes on RNA splicing suggest that this variant may disrupt the consensus splice site. For these reasons, this variant has been classified as Pathogenic.

Literature cited by the submitters: PubMed 22522446; PubMed 25059916; PubMed 30371979.